The following is an entry in ClinVar:

ClinVar aggregate classification (germline): Uncertain significance (1 of 4 stars; one submission).

Conditions:
COG5-congenital disorder of glycosylation. Also called: CONGENITAL DISORDER OF GLYCOSYLATION, TYPE IIi; CDG IIi; COG5-CDG. Identifiers: Orphanet 263487, MedGen C3150876, MONDO:0013325, OMIM 613612.

Allele frequency attached by ClinVar (database versions not stated): TOPMed below 0.00001; ExAC 0.00001; gnomAD exomes 0.00001.
gnomAD v4.1: 11 of 1,613,898 alleles (0.00068%); highest among the groups gnomAD compares: South Asian, 0.012%; no homozygotes.

Submission:

Labcorp Genetics (formerly Invitae), Labcorp
Classification: Uncertain significance for COG5-congenital disorder of glycosylation. Last evaluated: 2023-04-24. Review status: criteria provided, single submitter. Criteria: Invitae Variant Classification Sherloc (09022015). Collection method: clinical testing. Allele origin: germline.
Comment: In summary, the available evidence is currently insufficient to determine the role of this variant in disease. Therefore, it has been classified as a Variant of Uncertain Significance. An algorithm developed to predict the effect of missense changes on protein structure and function (PolyPhen-2) suggests that this variant is likely to be tolerated. ClinVar contains an entry for this variant (Variation ID: 1492028). This variant has not been reported in the literature in individuals affected with COG5-related conditions. This variant is present in population databases (rs769542319, gnomAD 0.006%). This sequence change replaces phenylalanine, which is neutral and non-polar, with leucine, which is neutral and non-polar, at codon 501 of the COG5 protein (p.Phe501Leu).

NM_006348.5(COG5):c.1410T>A (p.Phe470Leu)

Gene: COG5 (component of oligomeric golgi complex 5; minus strand). Cytogenetic location: 7q22.3.
Variant type: single nucleotide variant.
Coding change: c.1410T>A on transcript NM_006348.5 (MANE Select); coding-DNA position 1410, T replaced by A.
Protein change: p.Phe470Leu; replaces phenylalanine 470 with leucine.
Molecular consequence: missense variant. On other transcripts: intron variant (1).
Genome position (GRCh38, 1-based): chr7:107,283,636, A>T on the plus strand (T>A on the coding strand, the complement: COG5 is on the minus strand). VCF-style: chr7-107283636-A-T. GRCh37 (hg19) VCF-style: chr7-106924081-A-T.
Other names: c.1410T>A, p.Phe470Leu (NM_001161520.2, NM_001379512.1, NM_001379513.1 and 2 more transcripts); c.840T>A, p.Phe280Leu (NM_001379515.1); c.696T>A, p.Phe232Leu (NM_001379516.1); c.1314-2237T>A (NM_001379511.1); short protein forms F470L, F232L, F280L.
Identifiers: ClinVar variation 1492028 (VCV001492028.8), dbSNP rs769542319, ClinGen allele CA4430922.